The following is an entry in ClinVar:

NM_000038.6(APC):c.220+3A>C

Gene: APC (APC regulator of Wnt signaling pathway; plus strand). Cytogenetic location: 5q22.2.
Variant type: single nucleotide variant.
Coding change: c.220+3A>C on transcript NM_000038.6 (MANE Select); 3 bases into the intron after coding-DNA position 220, A replaced by C.
Molecular consequence: intron variant.
Genome position (GRCh38, 1-based): chr5:112,766,413, A>C. VCF-style: chr5-112766413-A-C. GRCh37 (hg19) VCF-style: chr5-112102110-A-C.
Other names: c.220+3A>C (NM_001354895.2, NM_001127510.3, NM_001354896.2 and 2 more transcripts); c.250+3A>C (NM_001354897.2, NM_001354902.2, NM_001127511.3); c.145+3A>C (NM_001354898.2, NM_001354904.2); c.-816+3A>C (NM_001354906.2); c.43+3A>C (NM_001354900.2, NM_001354901.2, NM_001354905.2).
Identifiers: ClinVar variation 487054 (VCV000487054.6), dbSNP rs1554069573, ClinGen allele CA658657470.

ClinVar aggregate classification (germline): Uncertain significance (1 of 4 stars; one submission).

Conditions:
Hereditary cancer-predisposing syndrome. Also called: Tumor predisposition; Hereditary Cancer Syndrome; Hereditary neoplastic syndrome; Neoplastic Syndromes, Hereditary. Identifiers: Orphanet 140162, MedGen C0027672, MeSH D009386, MONDO:0015356.

Submission:

Ambry Genetics
Classification: Uncertain significance for Hereditary cancer-predisposing syndrome. Last evaluated: 2025-01-24. Review status: criteria provided, single submitter. Criteria: Ambry Variant Classification Scheme 2023. Collection method: clinical testing. Allele origin: germline.
Comment: The c.220+3A>C intronic variant results from an A to C substitution 3 nucleotides after coding exon 2 in the APC gene. This nucleotide position is highly conserved in available vertebrate species. In silico splice site analysis predicts that this alteration may weaken the native splice donor site and will result in the creation or strengthening of a novel splice donor site. RNA studies have demonstrated that this alteration results in a splice defect; the clinical impact of this abnormal splicing is unknown at this time (Ambry internal data). Based on the available evidence, the clinical significance of this variant remains unclear.